The following is an entry in ClinVar:

NM_000465.4(BARD1):c.1579G>T (p.Gly527Cys)

Gene: BARD1 (BRCA1 associated RING domain 1; minus strand). Cytogenetic location: 2q35.
Variant type: single nucleotide variant.
Coding change: c.1579G>T on transcript NM_000465.4 (MANE Select); coding-DNA position 1579, G replaced by T.
Protein change: p.Gly527Cys; replaces glycine 527 with cysteine.
Molecular consequence: missense variant. On other transcripts: non-coding transcript variant (3), intron variant (1).
Genome position (GRCh38, 1-based): chr2:214,752,545, C>A on the plus strand (G>T on the coding strand, the complement: BARD1 is on the minus strand). VCF-style: chr2-214752545-C-A. GRCh37 (hg19) VCF-style: chr2-215617269-C-A.
Other names: c.1522G>T, p.Gly508Cys (NM_001282543.2); c.226G>T, p.Gly76Cys (NM_001282545.2); c.169G>T, p.Gly57Cys (NM_001282548.2); c.365-22037G>T (NM_001282549.2); short protein forms G527C, G508C, G57C, G76C.
Identifiers: ClinVar variation 482786 (VCV000482786.10), dbSNP rs1060501301, ClinGen allele CA350455033.
Genomic context (GRCh38, chr2:214,752,545, plus strand): 5'-CTGGTAGCAGCAATAGCGATTTCATACTTTCATCATCTGTATAATCGACAGGCCGCAGAC[C>A]AAATATATTACTGGTAAAATAAGTGCAGATGTGTTTAAGTAAGTCAAATGTGTGACTCGA-3'
Protein context (NP_000456.2, residues 517-537): GASRNAVNIF[Gly527Cys]LRPVDYTDDE

ClinVar aggregate classification (germline): Uncertain significance. Review status: criteria provided, multiple submitters, no conflicts (2 of 4 stars). 2 submissions from 2 submitters: Uncertain significance (2). Last evaluated 2022-02-04.

Conditions:
Familial cancer of breast. Also called: BREAST CANCER, FAMILIAL; Hereditary breast cancer; hereditary breast carcinoma. Identifiers: Orphanet 227535, MedGen C0346153, MONDO:0016419, OMIM 114480. Disease mechanism: loss of function.
Hereditary cancer-predisposing syndrome. Also called: Neoplastic Syndromes, Hereditary; Tumor predisposition; Hereditary Cancer Syndrome; Hereditary neoplastic syndrome. Identifiers: Orphanet 140162, MedGen C0027672, MeSH D009386, MONDO:0015356.

Submissions (2):

Labcorp Genetics (formerly Invitae), Labcorp
Classification: Uncertain significance for Familial cancer of breast. Last evaluated: 2022-02-04. Review status: criteria provided, single submitter. Criteria: Invitae Variant Classification Sherloc (09022015). Collection method: clinical testing. Allele origin: germline.
Comment: In summary, the available evidence is currently insufficient to determine the role of this variant in disease. Therefore, it has been classified as a Variant of Uncertain Significance. Algorithms developed to predict the effect of missense changes on protein structure and function (SIFT, PolyPhen-2, Align-GVGD) all suggest that this variant is likely to be disruptive. ClinVar contains an entry for this variant (Variation ID: 482786). This variant has not been reported in the literature in individuals affected with BARD1-related conditions. This variant is not present in population databases (gnomAD no frequency). This sequence change replaces glycine, which is neutral and non-polar, with cysteine, which is neutral and slightly polar, at codon 527 of the BARD1 protein (p.Gly527Cys).

Ambry Genetics
Classification: Uncertain significance for Hereditary cancer-predisposing syndrome. Last evaluated: 2021-11-04. Review status: criteria provided, single submitter. Criteria: Ambry Variant Classification Scheme 2023. Collection method: clinical testing. Allele origin: germline.
Comment: The p.G527C variant (also known as c.1579G>T), located in coding exon 7 of the BARD1 gene, results from a G to T substitution at nucleotide position 1579. The glycine at codon 527 is replaced by cysteine, an amino acid with highly dissimilar properties. This amino acid position is highly conserved in available vertebrate species. In addition, this alteration is predicted to be deleterious by in silico analysis. Since supporting evidence is limited at this time, the clinical significance of this alteration remains unclear.